The following is an entry in ClinVar:

ClinVar aggregate classification (germline): Uncertain significance (1 of 4 stars; one submission).

Submission:

Labcorp Genetics (formerly Invitae), Labcorp
Classification: Uncertain significance. Last evaluated: 2024-07-23. Review status: criteria provided, single submitter. Criteria: Invitae Variant Classification Sherloc (09022015). Collection method: clinical testing. Allele origin: germline.
Comment: This sequence change replaces glycine, which is neutral and non-polar, with glutamic acid, which is acidic and polar, at codon 540 of the NSD1 protein (p.Gly540Glu). This variant is not present in population databases (gnomAD no frequency). This variant has not been reported in the literature in individuals affected with NSD1-related conditions. Advanced modeling of protein sequence and biophysical properties (such as structural, functional, and spatial information, amino acid conservation, physicochemical variation, residue mobility, and thermodynamic stability) performed at Invitae indicates that this missense variant is not expected to disrupt NSD1 protein function with a negative predictive value of 95%. In summary, the available evidence is currently insufficient to determine the role of this variant in disease. Therefore, it has been classified as a Variant of Uncertain Significance.

NM_022455.5(NSD1):c.1619G>A (p.Gly540Glu)

Gene: NSD1 (nuclear receptor binding SET domain protein 1; plus strand). Cytogenetic location: 5q35.3.
Variant type: single nucleotide variant.
Coding change: c.1619G>A on transcript NM_022455.5 (MANE Select); coding-DNA position 1619, G replaced by A.
Protein change: p.Gly540Glu; replaces glycine 540 with glutamic acid.
Molecular consequence: missense variant.
Genome position (GRCh38, 1-based): chr5:177,210,018, G>A. VCF-style: chr5-177210018-G-A. GRCh37 (hg19) VCF-style: chr5-176637019-G-A.
Other names: c.746G>A, p.Gly249Glu (NM_001365684.2, NM_001409306.1, NM_001409307.1 and 3 more transcripts); c.1619G>A, p.Gly540Glu (NM_001409301.1, NM_001409302.1, NM_001409303.1); c.1199G>A, p.Gly400Glu (NM_001409304.1); c.866G>A, p.Gly289Glu (NM_001409305.1); short protein forms G249E, G289E, G400E, G540E.
Identifiers: ClinVar variation 3627939 (VCV003627939.2).